The following is an entry in ClinVar:

ClinVar aggregate classification (germline): Uncertain significance (1 of 4 stars; one submission).

Conditions:
Inborn genetic diseases. Identifiers: MedGen C0950123, MeSH D030342.

Submission:

Ambry Genetics
Classification: Uncertain significance for Inborn genetic diseases. Last evaluated: 2025-06-09. Review status: criteria provided, single submitter. Criteria: Ambry Variant Classification Scheme 2023. Collection method: clinical testing. Allele origin: germline.
Comment: The p.Q405R variant (also known as c.1214A>G), located in coding exon 13 of the FANCA gene, results from an A to G substitution at nucleotide position 1214. The glutamine at codon 405 is replaced by arginine, an amino acid with highly similar properties. This amino acid position is conserved. In addition, this alteration is predicted to be tolerated by in silico analysis. Based on the available evidence, the clinical significance of this variant remains unclear.

NM_000135.4(FANCA):c.1214A>G (p.Gln405Arg)

Gene: FANCA (FA complementation group A; minus strand). Cytogenetic location: 16q24.3.
Variant type: single nucleotide variant.
Coding change: c.1214A>G on transcript NM_000135.4 (MANE Select); coding-DNA position 1214, A replaced by G.
Protein change: p.Gln405Arg; replaces glutamine 405 with arginine.
Molecular consequence: missense variant.
Genome position (GRCh38, 1-based): chr16:89,791,938, T>C on the plus strand (A>G on the coding strand, the complement: FANCA is on the minus strand). VCF-style: chr16-89791938-T-C. GRCh37 (hg19) VCF-style: chr16-89858346-T-C.
Other names: c.1214A>G, p.Gln405Arg (NM_001286167.3); short protein forms Q405R.
Identifiers: ClinVar variation 4022364 (VCV004022364.1).